The following is an entry in ClinVar:

NM_001384140.1(PCDH15):c.1863_1864dup (p.Ser622fs)

Gene: PCDH15 (protocadherin related 15; minus strand). Cytogenetic location: 10q21.1.
Variant type: Microsatellite.
Coding change: c.1863_1864dup on transcript NM_001384140.1 (MANE Select); coding-DNA positions 1863 to 1864, 2 bases duplicated (TA; older notation c.1863_1864dupTA).
Protein change: p.Ser622fs; shifts the reading frame from serine 622.
Molecular consequence: frameshift variant. On other transcripts: intron variant (1).
Genome position (GRCh38, 1-based): chr10:54,132,928-54,132,929, TA duplicated on the plus strand (TA on the coding strand, the reverse complement: PCDH15 is on the minus strand); duplicating any 2 consecutive bases within chr10:54,132,928-54,132,931 gives the same sequence; the c. name uses the placement nearest the transcript's 3' end. VCF-style (leftmost placement, unchanged base first): chr10-54132927-C-CTA. GRCh37 (hg19) VCF-style: chr10-55892687-C-CTA.
Other names: NM_001384140.1:c.1863_1864dup; c.1863_1864dupTA (NM_033056.3); c.1878_1879dup, p.Ser627fs (NM_001142763.2, NM_001142771.2); c.1863_1864dup, p.Ser622fs (NM_001142764.2, NM_001142766.2, NM_001142770.3 and 5 more transcripts); c.1752_1753dup, p.Ser585fs (NM_001142767.2); c.1797_1798dup, p.Ser600fs (NM_001142768.2, NM_001142773.2, NM_001354404.2); c.1897_1898TA[3], p.Ser634Ilefs (NM_001142769.4); c.1884_1885dup, p.Ser629fs (NM_001354411.2); and 1 more; short protein forms S585fs, S634fs, S600fs, S622fs, S627fs, S629fs.
Identifiers: ClinVar variation 2136864 (VCV002136864.6), dbSNP rs1564497773, ClinGen allele CA918677927.

ClinVar aggregate classification (germline): Pathogenic/Likely pathogenic. Review status: criteria provided, multiple submitters, no conflicts (2 of 4 stars). 4 submissions from 4 submitters: Pathogenic (3); Likely pathogenic (1). Last evaluated 2024-02-29.

Conditions:
Usher syndrome type 1F (USH1F). Also called: USHER SYNDROME, TYPE IF. Identifiers: Orphanet 231169, Orphanet 886, MedGen C1865885, MONDO:0011186, OMIM 602083.
Autosomal recessive nonsyndromic hearing loss 23. Identifiers: Orphanet 90636, MedGen C1836027, MONDO:0012293, OMIM 609533.

Submissions (4):

Natera, Inc.
Classification: Likely pathogenic for Usher syndrome type 1F. Last evaluated: 2024-02-29. Review status: criteria provided, single submitter. Criteria: Natera Variant Classification Schema (03/2026). Collection method: clinical testing. Allele origin: germline.
Comment: The c.1863_1864dupTA variant in PCDH15 is a frameshift variant predicted to shift the reading frame beginning at codon 622 and leads to a stop codon 9 codons downstream. This variant is expected to result in nonsense mediated decay, truncation, or a dysfunctional protein product. This variant is rare in the general population with a frequency below the threshold expected for the associated phenotype(s). Given the available evidence, this variant is classified as Likely Pathogenic.

Labcorp Genetics (formerly Invitae), Labcorp
Classification: Pathogenic. Last evaluated: 2023-06-19. Review status: criteria provided, single submitter. Criteria: Invitae Variant Classification Sherloc (09022015). Collection method: clinical testing. Allele origin: germline.
Comment: For these reasons, this variant has been classified as Pathogenic. This premature translational stop signal has been observed in individual(s) with PCDH15-related conditions (PMID: 26166082, 30029497). This variant is not present in population databases (gnomAD no frequency). This sequence change creates a premature translational stop signal (p.Ser622Ilefs*9) in the PCDH15 gene. It is expected to result in an absent or disrupted protein product. Loss-of-function variants in PCDH15 are known to be pathogenic (PMID: 11398101, 11487575, 14570705).

Baylor Genetics
Classification: Pathogenic for Autosomal recessive nonsyndromic hearing loss 23. Last evaluated: 2023-05-12. Review status: criteria provided, single submitter. Criteria: ACMG Guidelines, 2015. Collection method: clinical testing. Allele origin: unknown.

Broad Center for Mendelian Genomics, Broad Institute of MIT and Harvard
Classification: Pathogenic for Usher syndrome type 1F. Last evaluated: 2023-01-24. Review status: criteria provided, single submitter. Criteria: ACMG Guidelines, 2015. Collection method: curation. Allele origin: germline. Inheritance: Autosomal recessive inheritance.
Comment: The p.Ser622fs variant in PCDH15 has been reported in 3 individuals with Usher syndrome type 1F (PMID: 26166082, 30029497, 33724713) and has been identified in 0.005% (1/18338) of East Asian chromosomes by the Genome Aggregation Database (gnomAD; dbSNP ID: rs764292129). Although this variant has been seen in the general population in a heterozygous state, its frequency is low enough to be consistent with a recessive carrier frequency. Of the 3 affected individuals, 2 of those were homozygotes, which increases the likelihood that the p.Ser622fs variant is pathogenic (PMID: 26166082, 30029497). This variant is predicted to cause a frameshift, which alters the protein‚Äôs amino acid sequence beginning at position 622 and leads to a premature termination codon 9 amino acids downstream. This alteration is then predicted to lead to a truncated or absent protein. Loss of function of the PCDH15 gene is an established disease mechanism in autosomal recessive Usher syndrome type 1F. In summary, this variant meets criteria to be classified as pathogenic for autosomal recessive Usher syndrome type 1F. ACMG/AMP Criteria applied: PVS1, PM2_supporting, PM3 (Richards 2015).

Literature cited by the submitters: PubMed 26166082 (cited by Labcorp Genetics (formerly Invitae), Labcorp); PubMed 30029497 (cited by Labcorp Genetics (formerly Invitae), Labcorp); PubMed 11398101 (cited by Labcorp Genetics (formerly Invitae), Labcorp); PubMed 11487575 (cited by Labcorp Genetics (formerly Invitae), Labcorp); PubMed 14570705 (cited by Labcorp Genetics (formerly Invitae), Labcorp).